The following is an entry in ClinVar:

ClinVar aggregate classification (germline): Conflicting classifications of pathogenicity. Review status: criteria provided, conflicting classifications (1 of 4 stars). 4 submissions from 4 submitters: Pathogenic (1); Likely pathogenic (2); Uncertain significance (1). Last evaluated 2024-08-16.

Conditions:
Lissencephaly 10. Identifiers: MedGen C5394354, MONDO:0030031, OMIM 618873.

Submissions (4):

GeneDx
Classification: Likely pathogenic. Last evaluated: 2024-08-16. Review status: criteria provided, single submitter. Criteria: GeneDx Variant Classification Process June 2021. Collection method: clinical testing. Allele origin: germline. Affected: yes.
Comment: Not observed at significant frequency in large population cohorts (gnomAD); In silico analysis indicates that this missense variant does not alter protein structure/function; This variant is associated with the following publications: (PMID: 32097629)

Revvity Omics, Revvity
Classification: Uncertain significance for Lissencephaly 10. Last evaluated: 2023-12-28. Review status: criteria provided, single submitter. Criteria: ACMG Guidelines, 2015. Collection method: clinical testing. Allele origin: germline.

3billion
Classification: Likely pathogenic for Lissencephaly 10. Last evaluated: 2023-02-23. Review status: criteria provided, single submitter. Criteria: ACMG Guidelines, 2015. Collection method: clinical testing. Allele origin: unknown. Affected: yes.
Comment: The variant is not observed in the gnomAD v2.1.1 dataset. Missense changes are a common disease-causing mechanism. Same nucleotide change resulting in same amino acid change has been previously reported to be associated with CEP85L-related disorder (ClinVar ID: VCV001406145 / PMID: 32097629). A different missense change at the same codon (p.Ser58Cys) has been reported to be associated with CEP85L related disorder (ClinVar ID: VCV000979032 / PMID: 32097630). Therefore, this variant is classified as Likely pathogenic according to the recommendation of ACMG/AMP guideline.

Labcorp Genetics (formerly Invitae), Labcorp
Classification: Pathogenic. Last evaluated: 2021-10-29. Review status: criteria provided, single submitter. Criteria: Invitae Variant Classification Sherloc (09022015). Collection method: clinical testing. Allele origin: germline.
Comment: For these reasons, this variant has been classified as Pathogenic. This variant disrupts the p.Ser58 amino acid residue in CEP85L. Other variant(s) that disrupt this residue have been determined to be pathogenic (PMID: 32097630). This suggests that this residue is clinically significant, and that variants that disrupt this residue are likely to be disease-causing. Algorithms developed to predict the effect of missense changes on protein structure and function are either unavailable or do not agree on the potential impact of this missense change (SIFT: "Deleterious"; PolyPhen-2: "Probably Damaging"; Align-GVGD: "Class C0"). This missense change has been observed in individual(s) with clinical features of CEP85L-related conditions (PMID: 32097629; Invitae). In at least one individual the variant was observed to be de novo. This variant is not present in population databases (gnomAD no frequency). This sequence change replaces serine, which is neutral and polar, with asparagine, which is neutral and polar, at codon 58 of the CEP85L protein (p.Ser58Asn).

Literature cited by the submitters: PubMed 32097630 (cited by 3billion and Labcorp Genetics (formerly Invitae), Labcorp); PubMed 32097629 (cited by 3billion and Labcorp Genetics (formerly Invitae), Labcorp).

NM_001042475.3(CEP85L):c.173G>A (p.Ser58Asn)

Gene: CEP85L (centrosomal protein 85L; minus strand). Cytogenetic location: 6q22.31.
Variant type: single nucleotide variant.
Coding change: c.173G>A on transcript NM_001042475.3 (MANE Select); coding-DNA position 173, G replaced by A.
Protein change: p.Ser58Asn; replaces serine 58 with asparagine.
Molecular consequence: missense variant.
Genome position (GRCh38, 1-based): chr6:118,632,512, C>T on the plus strand (G>A on the coding strand, the complement: CEP85L is on the minus strand). VCF-style: chr6-118632512-C-T. GRCh37 (hg19) VCF-style: chr6-118953675-C-T.
Other names: c.182G>A, p.Ser61Asn (NM_001178035.2); c.173G>A, p.Ser58Asn (NM_206921.3); c.173G>A (NM_001042475.2); short protein forms S58N, S61N.
Identifiers: ClinVar variation 1406145 (VCV001406145.8), dbSNP rs2115322699, ClinGen allele CA365547243.